The following is an entry in ClinVar:

ClinVar aggregate classification (germline): Uncertain significance (1 of 4 stars; one submission).

Conditions:
Progressive sclerosing poliodystrophy (MTDPS4A). Also called: NEURONAL DEGENERATION OF CHILDHOOD WITH LIVER DISEASE, PROGRESSIVE; ALPERS PROGRESSIVE INFANTILE POLIODYSTROPHY; Mitochondrial DNA Depletion Syndrome 4A; Alpers-Huttenlocher Syndrome (AHS); Alpers Syndrome; ALPERS DIFFUSE DEGENERATION OF CEREBRAL GRAY MATTER WITH HEPATIC CIRRHOSIS. Identifiers: Orphanet 726, MedGen C0205710, MONDO:0008758, OMIM 203700.

gnomAD v4.1: 1 of 1,614,164 alleles (0.000062%); highest among the groups gnomAD compares: Non-Finnish European, 0.000085%; no homozygotes.

Submission:

Labcorp Genetics (formerly Invitae), Labcorp
Classification: Uncertain significance for Progressive sclerosing poliodystrophy. Last evaluated: 2024-10-24. Review status: criteria provided, single submitter. Criteria: Invitae Variant Classification Sherloc (09022015). Collection method: clinical testing. Allele origin: germline.
Comment: This sequence change replaces lysine, which is basic and polar, with asparagine, which is neutral and polar, at codon 1050 of the POLG protein (p.Lys1050Asn). This variant is not present in population databases (gnomAD no frequency). This variant has not been reported in the literature in individuals affected with POLG-related conditions. ClinVar contains an entry for this variant (Variation ID: 941527). Invitae Evidence Modeling of protein sequence and biophysical properties (such as structural, functional, and spatial information, amino acid conservation, physicochemical variation, residue mobility, and thermodynamic stability) indicates that this missense variant is not expected to disrupt POLG protein function with a negative predictive value of 95%. In summary, the available evidence is currently insufficient to determine the role of this variant in disease. Therefore, it has been classified as a Variant of Uncertain Significance.

NM_002693.3(POLG):c.3150G>T (p.Lys1050Asn)

Gene: POLG (DNA polymerase gamma, catalytic subunit; minus strand). Cytogenetic location: 15q26.1.
Variant type: single nucleotide variant.
Coding change: c.3150G>T on transcript NM_002693.3 (MANE Select); coding-DNA position 3150, G replaced by T.
Protein change: p.Lys1050Asn; replaces lysine 1050 with asparagine.
Molecular consequence: missense variant.
Genome position (GRCh38, 1-based): chr15:89,319,054, C>A on the plus strand (G>T on the coding strand, the complement: POLG is on the minus strand). VCF-style: chr15-89319054-C-A. GRCh37 (hg19) VCF-style: chr15-89862285-C-A.
Other names: c.3150G>T, p.Lys1050Asn (NM_001126131.2); short protein forms K1050N.
Identifiers: ClinVar variation 941527 (VCV000941527.10), dbSNP rs1254460454, ClinGen allele CA393751003.